The following is an entry in ClinVar:

NM_000252.3(MTM1):c.566_569dup (p.Lys190_Cys191insTer)

Gene: MTM1 (myotubularin 1; plus strand). Cytogenetic location: Xq28.
Variant type: Duplication.
Coding change: c.566_569dup on transcript NM_000252.3 (MANE Select); coding-DNA positions 566 to 569, 4 bases duplicated (ATAA; older notation c.566_569dupATAA).
Protein change: p.Lys190_Cys191insTer.
Molecular consequence: nonsense.
Genome position (GRCh38, 1-based): chrX:150,641,306-150,641,309, ATAA duplicated; duplicating any 4 consecutive bases within chrX:150,641,305-150,641,309 gives the same sequence; the c. name uses the placement nearest the transcript's 3' end. VCF-style (leftmost placement, unchanged base first): chrX-150641304-T-TAATA. GRCh37 (hg19) VCF-style: chrX-149809777-T-TAATA.
Other names: c.566_569dup, p.Lys190_Cys191insTer (NM_001376906.1, NM_001376908.1); c.455_458dup, p.Lys153_Cys154insTer (NM_001376907.1).
Identifiers: ClinVar variation 3727206 (VCV003727206.2).
Genomic context (GRCh38, chrX:150,641,304, plus strand): 5'-CTTGAATTTCTTTTTTTCCTCACAGGGCTTGCCCAATCACCATTGGAGAATAACTTTTAT[T>TAATA]AATAAGTGCTATGAGCTCTGTGACACTTACCCTGCTCTTTTGGTGGTTCCGTATCGTGCC-3'

ClinVar aggregate classification (germline): Pathogenic (1 of 4 stars; one submission).

Conditions:
Severe X-linked myotubular myopathy (CNMX). Also called: X-linked centronuclear myopathy; Myotubular myopathy, X-linked; MYOTUBULAR MYOPATHY 1. Identifiers: Orphanet 596, MedGen C0410203, MONDO:0010683, OMIM 310400.

Submission:

Labcorp Genetics (formerly Invitae), Labcorp
Classification: Pathogenic for Severe X-linked myotubular myopathy. Last evaluated: 2025-01-19. Review status: criteria provided, single submitter. Criteria: Invitae Variant Classification Sherloc (09022015). Collection method: clinical testing. Allele origin: germline.
Comment: This sequence change creates a premature translational stop signal (p.Cys191*) in the MTM1 gene. It is expected to result in an absent or disrupted protein product. Loss-of-function variants in MTM1 are known to be pathogenic (PMID: 9305655, 10063835). This variant is not present in population databases (gnomAD no frequency). This variant has not been reported in the literature in individuals affected with MTM1-related conditions. For these reasons, this variant has been classified as Pathogenic.

Literature cited by the submitters: PubMed 9305655; PubMed 10063835.